The following is an entry in ClinVar:

ClinVar aggregate classification (germline): Likely benign. Review status: criteria provided, single submitter (1 of 4 stars). 2 submissions from 2 submitters: Likely benign (1). 1 of the submissions does not count toward it. Last evaluated 2025-09-21.

Conditions:
P3H2-related disorder. Also called: P3H2-related condition.

Allele frequency attached by ClinVar (database versions not stated): ExAC 0.00001; gnomAD exomes 0.00001 and 0.00003; gnomAD 0.00003; TOPMed 0.00003.
gnomAD v4.1: 16 of 1,521,870 alleles (0.0011%); highest among the groups gnomAD compares: Admixed American, 0.012%; no homozygotes.

Submissions (2):

Labcorp Genetics (formerly Invitae), Labcorp
Classification: Likely benign. Last evaluated: 2025-09-21. Review status: criteria provided, single submitter. Criteria: Invitae Variant Classification Sherloc (09022015). Collection method: clinical testing. Allele origin: germline.

PreventionGenetics, part of Exact Sciences
Classification: Likely benign for P3H2-related condition. Last evaluated: 2023-05-16. Review status: no assertion criteria provided. Collection method: clinical testing. Allele origin: germline. Not counted in ClinVar's aggregate classification.
Comment: This variant is classified as likely benign based on ACMG/AMP sequence variant interpretation guidelines (Richards et al. 2015 PMID: 25741868, with internal and published modifications).

NM_018192.4(P3H2):c.1189-8C>G

Gene: P3H2 (prolyl 3-hydroxylase 2; minus strand). Cytogenetic location: 3q28.
Variant type: single nucleotide variant.
Coding change: c.1189-8C>G on transcript NM_018192.4 (MANE Select); 8 bases into the intron before coding-DNA position 1189, C replaced by G.
Molecular consequence: intron variant.
Genome position (GRCh38, 1-based): chr3:189,984,598, G>C on the plus strand (C>G on the coding strand, the complement: P3H2 is on the minus strand). VCF-style: chr3-189984598-G-C. GRCh37 (hg19) VCF-style: chr3-189702387-G-C.
Other names: c.1189-8C>G (NM_018192.3); c.646-8C>G (NM_001134418.2).
Identifiers: ClinVar variation 1474759 (VCV001474759.8), dbSNP rs769357547, ClinGen allele CA2753035.